The following is an entry in ClinVar:

NM_024548.4(CEP97):c.2264A>C (p.His755Pro)

Gene: CEP97 (centrosomal protein 97; plus strand). Cytogenetic location: 3q12.3.
Variant type: single nucleotide variant.
Coding change: c.2264A>C on transcript NM_024548.4 (MANE Select); coding-DNA position 2264, A replaced by C.
Protein change: p.His755Pro; replaces histidine 755 with proline.
Molecular consequence: missense variant.
Genome position (GRCh38, 1-based): chr3:101,765,217, A>C. VCF-style: chr3-101765217-A-C. GRCh37 (hg19) VCF-style: chr3-101484061-A-C.
Other names: c.2087A>C, p.His696Pro (NM_001303401.2); c.2162A>C, p.His721Pro (NM_001410784.1); c.1985A>C, p.His662Pro (NM_001410785.1); short protein forms H721P, H696P, H662P, H755P.
Identifiers: ClinVar variation 3011792 (VCV003011792.3), dbSNP rs1034635625, ClinGen allele CA79771989.

ClinVar aggregate classification (germline): Uncertain significance (1 of 4 stars; one submission).

gnomAD v4.1: 2 of 1,614,236 alleles (0.00012%); highest among the groups gnomAD compares: Non-Finnish European, 0.000085%; no homozygotes.

Submission:

Labcorp Genetics (formerly Invitae), Labcorp
Classification: Uncertain significance. Last evaluated: 2025-12-19. Review status: criteria provided, single submitter. Criteria: Invitae Variant Classification Sherloc (09022015). Collection method: clinical testing. Allele origin: germline.
Comment: This sequence change replaces histidine, which is basic and polar, with proline, which is neutral and non-polar, at codon 755 of the CEP97 protein (p.His755Pro). This variant is not present in population databases (gnomAD no frequency). This variant has not been reported in the literature in individuals affected with CEP97-related conditions. ClinVar contains an entry for this variant (Variation ID: 3011792). Invitae Evidence Modeling of protein sequence and biophysical properties (such as structural, functional, and spatial information, amino acid conservation, physicochemical variation, residue mobility, and thermodynamic stability) indicates that this missense variant is not expected to disrupt CEP97 protein function with a negative predictive value of 80%. In summary, the available evidence is currently insufficient to determine the role of this variant in disease. Therefore, it has been classified as a Variant of Uncertain Significance.